The following is an entry in ClinVar:

NM_001009944.3(PKD1):c.10819A>G (p.Lys3607Glu)

Genes: PKD1 (polycystin 1, transient receptor potential channel interacting; minus strand), PKD1-AS1 (PKD1 antisense RNA 1; plus strand). Cytogenetic location: 16p13.3.
Variant type: single nucleotide variant.
Coding change: c.10819A>G on transcript NM_001009944.3 (MANE Select); coding-DNA position 10819, A replaced by G.
Protein change: p.Lys3607Glu; replaces lysine 3607 with glutamic acid.
Molecular consequence: missense variant.
Genome position (GRCh38, 1-based): chr16:2,093,813, T>C on the plus strand (A>G on the coding strand, the complement: PKD1 is on the minus strand). VCF-style: chr16-2093813-T-C. GRCh37 (hg19) VCF-style: chr16-2143814-T-C.
Other names: c.10816A>G, p.Lys3606Glu (NM_000296.4); short protein forms K3606E, K3607E.
Identifiers: ClinVar variation 1312694 (VCV001312694.2), dbSNP rs2151708378, ClinGen allele CA394339588.
Genomic context (GRCh38, chr16:2,093,813, plus strand): 5'-GCTTCAGAGGGGTCCCCCGTGATGGAGGCCTGTAGCCTACCCCTGGCAGCCCCCTCACCT[T>C]CAGTGGCTCCCAGCCGAGGAATGAGGCCAGGAAGCTGGCGCTGCTGGACAGGAGCCACGC-3'
Protein context (NP_001009944.3, residues 3597-3617): LASFLGWEPL[Lys3607Glu]VLLEALYFSL

ClinVar aggregate classification (germline): Uncertain significance (1 of 4 stars; one submission).

Submission:

GeneDx
Classification: Uncertain significance. Last evaluated: 2020-06-16. Review status: criteria provided, single submitter. Criteria: GeneDx Variant Classification Process June 2021. Collection method: clinical testing. Allele origin: germline. Affected: yes.
Comment: Not observed in large population cohorts (Lek et al., 2016); In silico analysis supports that this missense variant has a deleterious effect on protein structure/function; Splice predictors are inconclusive as to whether the variant alters gene splicing. In the absence of RNA/functional studies, the actual effect of this sequence change is unknown.; Has not been previously published as pathogenic or benign to our knowledge